The following is an entry in ClinVar:

NC_000002.12:g.121531008A>G

Genes: CLASP1 (cytoplasmic linker associated protein 1; minus strand), CLASP1-AS1 (CLASP1 antisense RNA 1; plus strand), RNU4ATAC (RNA, U4atac small nuclear; plus strand). Cytogenetic location: 2q14.2.
Variant type: single nucleotide variant.
Molecular consequence: intron variant (on NM_001395891.1).
Genome position: GRCh38 VCF-style: chr2-121531008-A-G. GRCh37 (hg19) VCF-style: chr2-122288584-A-G.
Other names: c.196-683T>C (NM_001142274.2, NM_015282.3, NM_001378003.1 and 5 more transcripts).
Identifiers: ClinVar variation 1355013 (VCV001355013.4), dbSNP rs893429850, ClinGen allele CA54811052.

ClinVar aggregate classification (germline): Uncertain significance (1 of 4 stars; one submission).

gnomAD v4.1: 13 of 700,230 alleles (0.0019%); highest among the groups gnomAD compares: East Asian, 0.0027%; no homozygotes.

Submission:

Labcorp Genetics (formerly Invitae), Labcorp
Classification: Uncertain significance. Last evaluated: 2025-10-01. Review status: criteria provided, single submitter. Criteria: Invitae Variant Classification Sherloc (09022015). Collection method: clinical testing. Allele origin: germline.
Comment: This variant occurs in the RNU4ATAC gene, which encodes an RNA molecule that does not result in a protein product. This variant is present in population databases (no rsID available, gnomAD 0.003%). This variant has not been reported in the literature in individuals affected with RNU4ATAC-related conditions. ClinVar contains an entry for this variant (Variation ID: 1355013). Experimental studies and prediction algorithms are not available or were not evaluated, and the functional significance of this variant is currently unknown. In summary, the available evidence is currently insufficient to determine the role of this variant in disease. Therefore, it has been classified as a Variant of Uncertain Significance.